The following is an entry in ClinVar:

NM_003560.4(PLA2G6):c.1247C>T (p.Pro416Leu)

Gene: PLA2G6 (phospholipase A2 group VI; minus strand). Cytogenetic location: 22q13.1.
Variant type: single nucleotide variant.
Coding change: c.1247C>T on transcript NM_003560.4 (MANE Select); coding-DNA position 1247, C replaced by T.
Protein change: p.Pro416Leu; replaces proline 416 with leucine.
Molecular consequence: missense variant. On other transcripts: intron variant (5).
Genome position (GRCh38, 1-based): chr22:38,128,370, G>A on the plus strand (C>T on the coding strand, the complement: PLA2G6 is on the minus strand). VCF-style: chr22-38128370-G-A. GRCh37 (hg19) VCF-style: chr22-38524377-G-A.
Other names: c.1247C>T (NM_003560.2); c.1247C>T, p.Pro416Leu (NM_001349864.2); c.713C>T, p.Pro238Leu (NM_001349867.2); c.569C>T, p.Pro190Leu (NM_001349868.2); c.1186+1084C>T (NM_001349866.2, NM_001199562.3, NM_001349865.2 and 1 more transcripts); c.652+1084C>T (NM_001349869.2); short protein forms P238L, P416L, P190L.
Identifiers: ClinVar variation 2164896 (VCV002164896.3), dbSNP rs774057049, ClinGen allele CA10230970.
Genomic context (GRCh38, chr22:38,128,370, plus strand): 5'-AGGGAGAAGGGATGATGTGGCGCTGCAGAGCCCTGCTCCGCGGGGACCCCGTGGATGGGT[G>A]GGAAGCAGTATTCGGCCCCCACGGTTCTCAGCAGAGTCAAGATCGCCTTCCTGGTGACAA-3'
Protein context (NP_003551.2, residues 406-426): LRTVGAEYCF[Pro416Leu]PIHGVPAEQG

ClinVar aggregate classification (germline): Uncertain significance. Review status: criteria provided, multiple submitters, no conflicts (2 of 4 stars). 3 submissions from 3 submitters: Uncertain significance (3). Last evaluated 2026-03-17.

Conditions:
Inborn genetic diseases. Identifiers: MedGen C0950123, MeSH D030342.
Infantile neuroaxonal dystrophy (NBIA2A). Also called: Infantile neuroaxonal dystrophy 1; NEURODEGENERATION WITH BRAIN IRON ACCUMULATION 2A; SEITELBERGER DISEASE. Identifiers: Orphanet 35069, MedGen C0270724, MONDO:0024457, OMIM 256600.

Allele frequency attached by ClinVar (database versions not stated): gnomAD exomes below 0.00001; TOPMed below 0.00001; ExAC 0.00001.

Submissions (3):

GeneDx
Classification: Uncertain significance. Last evaluated: 2026-03-17. Review status: criteria provided, single submitter. Criteria: GeneDx Variant Classification Process June 2021. Collection method: clinical testing. Allele origin: germline.
Comment: Not observed at significant frequency in large population cohorts (gnomAD); In silico analysis supports that this missense variant has a deleterious effect on protein structure/function; Has not been previously published as pathogenic or benign to our knowledge

Ambry Genetics
Classification: Uncertain significance for Inborn genetic diseases. Last evaluated: 2025-05-07. Review status: criteria provided, single submitter. Criteria: Ambry Variant Classification Scheme 2023. Collection method: clinical testing. Allele origin: germline.

Labcorp Genetics (formerly Invitae), Labcorp
Classification: Uncertain significance for Infantile neuroaxonal dystrophy. Last evaluated: 2022-05-28. Review status: criteria provided, single submitter. Criteria: Invitae Variant Classification Sherloc (09022015). Collection method: clinical testing. Allele origin: germline.
Comment: This sequence change replaces proline, which is neutral and non-polar, with leucine, which is neutral and non-polar, at codon 416 of the PLA2G6 protein (p.Pro416Leu). This variant is present in population databases (rs774057049, gnomAD 0.006%). This variant has not been reported in the literature in individuals affected with PLA2G6-related conditions. Advanced modeling of protein sequence and biophysical properties (such as structural, functional, and spatial information, amino acid conservation, physicochemical variation, residue mobility, and thermodynamic stability) performed at Invitae indicates that this missense variant is not expected to disrupt PLA2G6 protein function. In summary, the available evidence is currently insufficient to determine the role of this variant in disease. Therefore, it has been classified as a Variant of Uncertain Significance.